The following is an entry in ClinVar:

NM_000693.4(ALDH1A3):c.258G>A (p.Ser86=)

Gene: ALDH1A3 (aldehyde dehydrogenase 1 family member A3; plus strand). Cytogenetic location: 15q26.3.
Variant type: single nucleotide variant.
Coding change: c.258G>A on transcript NM_000693.4 (MANE Select); coding-DNA position 258, G replaced by A.
Protein change: p.Ser86=; no amino-acid change (serine 86 retained).
Molecular consequence: synonymous variant.
Genome position (GRCh38, 1-based): chr15:100,887,625, G>A. VCF-style: chr15-100887625-G-A. GRCh37 (hg19) VCF-style: chr15-101427830-G-A.
Other names: c.258G>A, p.Ser86= (NM_001293815.2).
Identifiers: ClinVar variation 752811 (VCV000752811.5), dbSNP rs368918536, ClinGen allele CA7760021.

ClinVar aggregate classification (germline): Likely benign. Review status: criteria provided, single submitter (1 of 4 stars). 2 submissions from 2 submitters: Likely benign (1). 1 of the submissions does not count toward it. Last evaluated 2018-06-15.

Conditions:
ALDH1A3-related disorder. Also called: ALDH1A3-related condition.

Allele frequency attached by ClinVar (database versions not stated): TOPMed 0.00002; gnomAD exomes 0.00003; ExAC 0.00004.
gnomAD v4.1: 38 of 1,611,566 alleles (0.0024%); highest among the groups gnomAD compares: Non-Finnish European, 0.0031%; no homozygotes.

Submissions (2):

Labcorp Genetics (formerly Invitae), Labcorp
Classification: Likely benign. Last evaluated: 2018-06-15. Review status: criteria provided, single submitter. Criteria: Invitae Variant Classification Sherloc (09022015). Collection method: clinical testing. Allele origin: germline.

PreventionGenetics, part of Exact Sciences
Classification: Likely benign for ALDH1A3-related condition. Last evaluated: 2019-09-12. Review status: no assertion criteria provided. Collection method: clinical testing. Allele origin: germline. Not counted in ClinVar's aggregate classification.
Comment: This variant is classified as likely benign based on ACMG/AMP sequence variant interpretation guidelines (Richards et al. 2015 PMID: 25741868, with internal and published modifications).